The following is an entry in ClinVar:

ClinVar aggregate classification (germline): Pathogenic (1 of 4 stars; one submission).

Conditions:
Peroxisome biogenesis disorder, complementation group 7 (CG7). Also called: Peroxisome biogenesis disorder, complementation group B. Identifiers: MedGen C1864399.

Submission:

Labcorp Genetics (formerly Invitae), Labcorp
Classification: Pathogenic for Peroxisome biogenesis disorder, complementation group 7. Last evaluated: 2022-08-21. Review status: criteria provided, single submitter. Criteria: Invitae Variant Classification Sherloc (09022015). Collection method: clinical testing. Allele origin: germline.
Comment: For these reasons, this variant has been classified as Pathogenic. This variant disrupts a region of the PEX10 protein in which other variant(s) (p.Arg331Gln) have been determined to be pathogenic (PMID: 20695019, 27230853). This suggests that this is a clinically significant region of the protein, and that variants that disrupt it are likely to be disease-causing. This variant has not been reported in the literature in individuals affected with PEX10-related conditions. This variant is a gross deletion of the genomic region encompassing exon(s) 3-6 of the PEX10 gene, which includes the termination codon. This deletion extends beyond the assayed region for this gene and therefore may encompass additional genes. While this deletion is not anticipated to lead to nonsense mediated decay, it is expected to alter mRNA translation or result in a truncated protein product.

Literature cited by the submitters: PubMed 20695019; PubMed 27230853.

NC_000001.10:g.(?_2337195)_(2340307_?)del

Gene: PEX10 (peroxisomal biogenesis factor 10; minus strand). Cytogenetic location: 1p36.32.
Variant type: Deletion.
Identifiers: ClinVar variation 2427451 (VCV002427451.4).